The following is an entry in ClinVar:

NM_003906.5(MCM3AP):c.523T>C (p.Phe175Leu)

Gene: MCM3AP (minichromosome maintenance complex component 3 associated protein; minus strand). Cytogenetic location: 21q22.3.
Variant type: single nucleotide variant.
Coding change: c.523T>C on transcript NM_003906.5 (MANE Select); coding-DNA position 523, T replaced by C.
Protein change: p.Phe175Leu; replaces phenylalanine 175 with leucine.
Molecular consequence: missense variant.
Genome position (GRCh38, 1-based): chr21:46,284,764, A>G on the plus strand (T>C on the coding strand, the complement: MCM3AP is on the minus strand). VCF-style: chr21-46284764-A-G. GRCh37 (hg19) VCF-style: chr21-47704678-A-G.
Other names: short protein forms F175L.
Identifiers: ClinVar variation 1937310 (VCV001937310.2), dbSNP rs779889740, ClinGen allele CA10077331.

ClinVar aggregate classification (germline): Uncertain significance (1 of 4 stars; one submission).

gnomAD v4.1: 3 of 1,613,654 alleles (0.00019%); highest among the groups gnomAD compares: Non-Finnish European, 0.00025%; no homozygotes.

Submission:

Labcorp Genetics (formerly Invitae), Labcorp
Classification: Uncertain significance. Last evaluated: 2021-12-25. Review status: criteria provided, single submitter. Criteria: Invitae Variant Classification Sherloc (09022015). Collection method: clinical testing. Allele origin: germline.
Comment: This sequence change replaces phenylalanine, which is neutral and non-polar, with leucine, which is neutral and non-polar, at codon 175 of the MCM3AP protein (p.Phe175Leu). This variant is present in population databases (rs779889740, gnomAD 0.002%). This variant has not been reported in the literature in individuals affected with MCM3AP-related conditions. Algorithms developed to predict the effect of missense changes on protein structure and function output the following: SIFT: "Tolerated"; PolyPhen-2: "Benign"; Align-GVGD: "Class C0". The leucine amino acid residue is found in multiple mammalian species, which suggests that this missense change does not adversely affect protein function. In summary, the available evidence is currently insufficient to determine the role of this variant in disease. Therefore, it has been classified as a Variant of Uncertain Significance.